The following is an entry in ClinVar:

ClinVar aggregate classification (germline): Likely benign (0 of 4 stars; one submission).

Conditions:
NFU1-related disorder. Also called: NFU1-related condition.

Allele frequency attached by ClinVar (database versions not stated): gnomAD exomes below 0.00001; gnomAD 0.00001; TOPMed 0.00001.
gnomAD v4.1: 6 of 1,581,866 alleles (0.00038%); highest among the groups gnomAD compares: African/African-American, 0.0013%; no homozygotes.

Submission:

PreventionGenetics, part of Exact Sciences
Classification: Likely benign for NFU1-related condition. Last evaluated: 2020-03-23. Review status: no assertion criteria provided. Collection method: clinical testing. Allele origin: germline.
Comment: This variant is classified as likely benign based on ACMG/AMP sequence variant interpretation guidelines (Richards et al. 2015 PMID: 25741868, with internal and published modifications).

NM_001002755.4(NFU1):c.312T>C (p.Phe104=)

Gene: NFU1 (NFU1 iron-sulfur cluster scaffold; minus strand). Cytogenetic location: 2p13.3.
Variant type: single nucleotide variant.
Coding change: c.312T>C on transcript NM_001002755.4 (MANE Select); coding-DNA position 312, T replaced by C.
Protein change: p.Phe104=; no amino-acid change (phenylalanine 104 retained).
Molecular consequence: synonymous variant. On other transcripts: 5 prime UTR variant (1), non-coding transcript variant (2).
Genome position (GRCh38, 1-based): chr2:69,419,595, A>G on the plus strand (T>C on the coding strand, the complement: NFU1 is on the minus strand). VCF-style: chr2-69419595-A-G. GRCh37 (hg19) VCF-style: chr2-69646727-A-G.
Other names: c.-112T>C (NM_001002756.2); c.240T>C, p.Phe80= (NM_001374284.1, NM_015700.4).
Identifiers: ClinVar variation 3047119 (VCV003047119.2), dbSNP rs1158018884, ClinGen allele CA426623343.